The following is an entry in ClinVar:

ClinVar aggregate classification (germline): Uncertain significance. Review status: criteria provided, multiple submitters, no conflicts (2 of 4 stars). 2 submissions from 2 submitters: Uncertain significance (2). Last evaluated 2023-06-22.

Conditions:
Autosomal recessive limb-girdle muscular dystrophy type 2W (MDRCMTT). Also called: Muscular dystrophy, limb-girdle, type 2W; Muscular dystrophy, autosomal recessive, with cardiomyopathy and triangular tongue. Identifiers: MedGen C4225192, MONDO:0014788, OMIM 616827.

Allele frequency attached by ClinVar (database versions not stated): gnomAD 0.00002; gnomAD exomes 0.00002; TOPMed 0.00002; ExAC 0.00006.
gnomAD v4.1: 26 of 1,581,202 alleles (0.0016%); highest among the groups gnomAD compares: East Asian, 0.0046%; no homozygotes.

Submissions (2):

Ambry Genetics
Classification: Uncertain significance. Last evaluated: 2023-06-22. Review status: criteria provided, single submitter. Criteria: Ambry Variant Classification Scheme 2023. Collection method: clinical testing. Allele origin: germline.

Labcorp Genetics (formerly Invitae), Labcorp
Classification: Uncertain significance for Autosomal recessive limb-girdle muscular dystrophy type 2W. Last evaluated: 2022-06-27. Review status: criteria provided, single submitter. Criteria: Invitae Variant Classification Sherloc (09022015). Collection method: clinical testing. Allele origin: germline.
Comment: This sequence change replaces arginine, which is basic and polar, with glutamine, which is neutral and polar, at codon 164 of the LIMS2 protein (p.Arg164Gln). The frequency data for this variant in the population databases is considered unreliable, as metrics indicate poor data quality at this position in the gnomAD database. This variant has not been reported in the literature in individuals affected with LIMS2-related conditions. Algorithms developed to predict the effect of missense changes on protein structure and function are either unavailable or do not agree on the potential impact of this missense change (SIFT: "Deleterious"; PolyPhen-2: "Benign"; Align-GVGD: "Class C0"). In summary, the available evidence is currently insufficient to determine the role of this variant in disease. Therefore, it has been classified as a Variant of Uncertain Significance.

NM_001161403.3(LIMS2):c.425G>A (p.Arg142Gln)

Gene: LIMS2 (LIM zinc finger domain containing 2; minus strand). Cytogenetic location: 2q14.3.
Variant type: single nucleotide variant.
Coding change: c.425G>A on transcript NM_001161403.3 (MANE Select); coding-DNA position 425, G replaced by A.
Protein change: p.Arg142Gln; replaces arginine 142 with glutamine.
Molecular consequence: missense variant. On other transcripts: 5 prime UTR variant (1).
Genome position (GRCh38, 1-based): chr2:127,643,007, C>T on the plus strand (G>A on the coding strand, the complement: LIMS2 is on the minus strand). VCF-style: chr2-127643007-C-T. GRCh37 (hg19) VCF-style: chr2-128400582-C-T.
Other names: c.497G>A (NM_017980.4); c.491G>A, p.Arg164Gln (NM_001136037.4); c.410G>A, p.Arg137Gln (NM_001161404.2); c.-32G>A (NM_001256542.2); c.497G>A, p.Arg166Gln (NM_017980.5); short protein forms R137Q, R142Q, R166Q, R164Q.
Identifiers: ClinVar variation 1387330 (VCV001387330.8), dbSNP rs768454144, ClinGen allele CA1863060.